The following is an entry in ClinVar:

NM_001277313.2(FMN1):c.382C>T (p.Pro128Ser)

Gene: FMN1 (formin 1; minus strand). Cytogenetic location: 15q13.3.
Variant type: single nucleotide variant.
Coding change: c.382C>T on transcript NM_001277313.2 (MANE Select); coding-DNA position 382, C replaced by T.
Protein change: p.Pro128Ser; replaces proline 128 with serine.
Molecular consequence: missense variant.
Genome position (GRCh38, 1-based): chr15:33,154,533, G>A on the plus strand (C>T on the coding strand, the complement: FMN1 is on the minus strand). VCF-style: chr15-33154533-G-A. GRCh37 (hg19) VCF-style: chr15-33446734-G-A.
Other names: c.382C>T (NM_001277313.1); c.382C>T, p.Pro128Ser (NM_001277314.2); short protein forms P128S.
Identifiers: ClinVar variation 2713021 (VCV002713021.5), dbSNP rs558962614, ClinGen allele CA7457601.
Genomic context (GRCh38, chr15:33,154,533, plus strand): 5'-GAGGGCCCACGGGGAGCTCTCCCTGCCAGTCACCAGCACTCTGGAAACAGTCATCCTCGG[G>A]GGCCAGGCTCACGGACAGCTCTTGCAGCTTCCCCTCCTGGTTCCCCATCGTGATCCCCAG-3'
Protein context (NP_001264242.1, residues 118-138): KLQELSVSLA[Pro128Ser]EDDCFQSAGD

ClinVar aggregate classification (germline): Uncertain significance. Review status: criteria provided, single submitter (1 of 4 stars). 2 submissions from 2 submitters: Uncertain significance (1). 1 of the submissions does not count toward it. Last evaluated 2025-12-24.

Conditions:
FMN1-related disorder. Also called: FMN1-related condition.

Allele frequency attached by ClinVar (database versions not stated): gnomAD exomes 0.00005; ExAC 0.00014; gnomAD 0.00058; TOPMed 0.00065; 1000 Genomes Project 30x 0.00109; 1000 Genomes Project 0.00120.
gnomAD v4.1: 160 of 1,536,088 alleles (0.01%); highest among the groups gnomAD compares: African/African-American, 0.2%; no homozygotes.

Submissions (2):

Labcorp Genetics (formerly Invitae), Labcorp
Classification: Uncertain significance. Last evaluated: 2025-12-24. Review status: criteria provided, single submitter. Criteria: Invitae Variant Classification Sherloc (09022015). Collection method: clinical testing. Allele origin: germline.
Comment: The FMN1 gene has multiple clinically relevant transcripts. This variant occurs in alternate transcript NM_001277314.1, and corresponds to NM_001103184.3:c.-86649C>T in the primary transcript. This sequence change replaces proline, which is neutral and non-polar, with serine, which is neutral and polar, at codon 128 of the FMN1 protein (p.Pro128Ser). This variant is present in population databases (rs558962614, gnomAD 0.2%), and has an allele count higher than expected for a pathogenic variant. This variant has not been reported in the literature in individuals affected with FMN1-related conditions. Experimental studies and prediction algorithms are not available or were not evaluated, and the functional significance of this variant is currently unknown. In summary, the available evidence is currently insufficient to determine the role of this variant in disease. Therefore, it has been classified as a Variant of Uncertain Significance.

PreventionGenetics, part of Exact Sciences
Classification: Likely benign for FMN1-related condition. Last evaluated: 2023-12-05. Review status: no assertion criteria provided. Collection method: clinical testing. Allele origin: germline. Not counted in ClinVar's aggregate classification.
Comment: This variant is classified as likely benign based on ACMG/AMP sequence variant interpretation guidelines (Richards et al. 2015 PMID: 25741868, with internal and published modifications).